The following is an entry in ClinVar:

ClinVar aggregate classification (germline): Uncertain significance (1 of 4 stars; one submission).

Conditions:
Hereditary cancer-predisposing syndrome. Also called: Neoplastic Syndromes, Hereditary; Tumor predisposition; Hereditary Cancer Syndrome; Hereditary neoplastic syndrome. Identifiers: Orphanet 140162, MedGen C0027672, MeSH D009386, MONDO:0015356.
Cardiovascular phenotype. Identifiers: MedGen CN230736.

Submission:

Ambry Genetics
Classification: Uncertain significance for Cardiovascular phenotype; Hereditary cancer-predisposing syndrome. Last evaluated: 2021-02-12. Review status: criteria provided, single submitter. Criteria: Ambry Variant Classification Scheme 2023. Collection method: clinical testing. Allele origin: germline.
Comment: The p.K2401N variant (also known as c.7203A>T), located in coding exon 48 of the NF1 gene, results from an A to T substitution at nucleotide position 7203. The lysine at codon 2401 is replaced by asparagine, an amino acid with similar properties. This amino acid position is highly conserved in available vertebrate species. In addition, this alteration is predicted to be tolerated by in silico analysis. Since supporting evidence is limited at this time, the clinical significance of this alteration remains unclear.

NM_001042492.3(NF1):c.7266A>T (p.Lys2422Asn)

Gene: NF1 (neurofibromin 1; plus strand). Cytogenetic location: 17q11.2.
Variant type: single nucleotide variant.
Coding change: c.7266A>T on transcript NM_001042492.3 (MANE Select); coding-DNA position 7266, A replaced by T.
Protein change: p.Lys2422Asn; replaces lysine 2422 with asparagine.
Molecular consequence: missense variant.
Genome position (GRCh38, 1-based): chr17:31,349,196, A>T. VCF-style: chr17-31349196-A-T. GRCh37 (hg19) VCF-style: chr17-29676214-A-T.
Other names: c.7203A>T, p.Lys2401Asn (NM_000267.4); short protein forms K2422N, K2401N.
Identifiers: ClinVar variation 1757678 (VCV001757678.2), dbSNP rs2151572755, ClinGen allele CA399016806.